The following is an entry in ClinVar:

NM_015268.4(DNAJC13):c.5349T>C (p.Val1783=)

Gene: DNAJC13 (DnaJ heat shock protein family (Hsp40) member C13; plus strand). Cytogenetic location: 3q22.1.
Variant type: single nucleotide variant.
Coding change: c.5349T>C on transcript NM_015268.4 (MANE Select); coding-DNA position 5349, T replaced by C.
Protein change: p.Val1783=; no amino-acid change (valine 1783 retained).
Molecular consequence: synonymous variant.
Genome position (GRCh38, 1-based): chr3:132,513,063, T>C. VCF-style: chr3-132513063-T-C. GRCh37 (hg19) VCF-style: chr3-132231907-T-C.
Other names: c.5364T>C, p.Val1788= (NM_001329126.2).
Identifiers: ClinVar variation 3050646 (VCV003050646.2), dbSNP rs757020974, ClinGen allele CA2619809.
Genomic context (GRCh38, chr3:132,513,063, plus strand): 5'-TCTAGGTTCTGAGAGTGAATGCATTGGGCACTTTAAGTTGATATTTTCTCTTCTCCGAGT[T>C]CATGGAGCTGGTCAAGTGCAGCAGTTGGCTTTAGAGGTAAAAGCGTTTTGTACTAAAGCG-3'
Protein context (NP_056083.3, residues 1773-1793): HFKLIFSLLR[Val1783=]HGAGQVQQLA

ClinVar aggregate classification (germline): Likely benign (0 of 4 stars; one submission).

Conditions:
DNAJC13-related disorder. Also called: DNAJC13-related condition.

Allele frequency attached by ClinVar (database versions not stated): TOPMed below 0.00001; gnomAD 0.00001; ExAC 0.00002; gnomAD exomes 0.00005.

Submission:

PreventionGenetics, part of Exact Sciences
Classification: Likely benign for DNAJC13-related condition. Last evaluated: 2019-07-16. Review status: no assertion criteria provided. Collection method: clinical testing. Allele origin: germline.
Comment: This variant is classified as likely benign based on ACMG/AMP sequence variant interpretation guidelines (Richards et al. 2015 PMID: 25741868, with internal and published modifications).